The following is an entry in ClinVar:

NM_003074.4(SMARCC1):c.662C>G (p.Pro221Arg)

Gene: SMARCC1 (SWI/SNF related BAF chromatin remodeling complex subunit C1; minus strand). Cytogenetic location: 3p21.31.
Variant type: single nucleotide variant.
Coding change: c.662C>G on transcript NM_003074.4 (MANE Select); coding-DNA position 662, C replaced by G.
Protein change: p.Pro221Arg; replaces proline 221 with arginine.
Molecular consequence: missense variant.
Genome position (GRCh38, 1-based): chr3:47,720,720, G>C on the plus strand (C>G on the coding strand, the complement: SMARCC1 is on the minus strand). VCF-style: chr3-47720720-G-C. GRCh37 (hg19) VCF-style: chr3-47762210-G-C.
Other names: short protein forms P221R.
Identifiers: ClinVar variation 4527910 (VCV004527910.1).

ClinVar aggregate classification (germline): Uncertain significance (1 of 4 stars; one submission).

Submission:

GeneDx
Classification: Uncertain significance. Last evaluated: 2025-05-01. Review status: criteria provided, single submitter. Criteria: GeneDx Variant Classification Process June 2021. Collection method: clinical testing. Allele origin: germline. Affected: yes.
Comment: Not observed at significant frequency in large population cohorts (gnomAD); In silico analysis supports that this missense variant has a deleterious effect on protein structure/function; Has not been previously published as pathogenic or benign to our knowledge